The following is an entry in ClinVar:

NM_001199397.3(NEK1):c.2294A>G (p.Glu765Gly)

Gene: NEK1 (NIMA related kinase 1; minus strand). Cytogenetic location: 4q33.
Variant type: single nucleotide variant.
Coding change: c.2294A>G on transcript NM_001199397.3 (MANE Select); coding-DNA position 2294, A replaced by G.
Protein change: p.Glu765Gly; replaces glutamic acid 765 with glycine.
Molecular consequence: missense variant. On other transcripts: non-coding transcript variant (1).
Genome position (GRCh38, 1-based): chr4:169,477,264, T>C on the plus strand (A>G on the coding strand, the complement: NEK1 is on the minus strand). VCF-style: chr4-169477264-T-C. GRCh37 (hg19) VCF-style: chr4-170398415-T-C.
Other names: c.2162A>G, p.Glu721Gly (NM_001199398.3); c.2003A>G, p.Glu668Gly (NM_001199399.3); c.2078A>G, p.Glu693Gly (NM_001199400.3); c.2294A>G, p.Glu765Gly (NM_001374418.1); c.2210A>G, p.Glu737Gly (NM_001374419.1, NM_012224.4); c.2159A>G, p.Glu720Gly (NM_001374420.1); c.1988A>G, p.Glu663Gly (NM_001374421.1); short protein forms E737G, E765G, E693G, E668G, E721G, E663G, E720G.
Identifiers: ClinVar variation 348105 (VCV000348105.7), dbSNP rs886059231, ClinGen allele CA10620525.
Genomic context (GRCh38, chr4:169,477,264, plus strand): 5'-CGATCAGATGAAACTGATTTTTCTTTTTCATGCTCTTTGGCATCTTCATGAACATTTATC[T>C]CAAAAGTATCAGAGAGATTCTGCTTTCCTTTTTCATCTTCTTGAGCTTTAAGATTTTCAT-3'
Protein context (NP_001186326.1, residues 755-775): KGKQNLSDTF[Glu765Gly]INVHEDAKEH

ClinVar aggregate classification (germline): Uncertain significance. Review status: criteria provided, multiple submitters, no conflicts (2 of 4 stars). 2 submissions from 2 submitters: Uncertain significance (2). Last evaluated 2024-06-10.

Conditions:
Short-rib thoracic dysplasia 6 with or without polydactyly (SRTD6). Also called: POLYDACTYLY WITH NEONATAL CHONDRODYSTROPHY, TYPE II; Majewski Syndrome; SHORT RIB-POLYDACTYLY SYNDROME, TYPE IIA; SHORT-RIB THORACIC DYSPLASIA 6 WITH POLYDACTYLY; SHORT-RIB THORACIC DYSPLASIA 6 WITHOUT POLYDACTYLY. Identifiers: MedGen C0024507, MONDO:0009894, OMIM 263520.

Allele frequency attached by ClinVar (database versions not stated): gnomAD 0.00001; gnomAD exomes 0.00001; TOPMed 0.00002.
gnomAD v4.1: 15 of 1,598,002 alleles (0.00094%); highest among the groups gnomAD compares: Non-Finnish European, 0.0013%; no homozygotes.

Submissions (2):

Labcorp Genetics (formerly Invitae), Labcorp
Classification: Uncertain significance for Short-rib thoracic dysplasia 6 with or without polydactyly. Last evaluated: 2024-06-10. Review status: criteria provided, single submitter. Criteria: Invitae Variant Classification Sherloc (09022015). Collection method: clinical testing. Allele origin: germline.
Comment: This sequence change replaces glutamic acid, which is acidic and polar, with glycine, which is neutral and non-polar, at codon 737 of the NEK1 protein (p.Glu737Gly). This variant is present in population databases (no rsID available, gnomAD 0.007%). This variant has not been reported in the literature in individuals affected with NEK1-related conditions. ClinVar contains an entry for this variant (Variation ID: 348105). Advanced modeling of protein sequence and biophysical properties (such as structural, functional, and spatial information, amino acid conservation, physicochemical variation, residue mobility, and thermodynamic stability) performed at Invitae indicates that this missense variant is not expected to disrupt NEK1 protein function with a negative predictive value of 80%. In summary, the available evidence is currently insufficient to determine the role of this variant in disease. Therefore, it has been classified as a Variant of Uncertain Significance.

Illumina Laboratory Services, Illumina
Classification: Uncertain significance for Short-rib thoracic dysplasia 6 with or without polydactyly. Last evaluated: 2018-01-13. Review status: criteria provided, single submitter. Criteria: ICSL Variant Classification Criteria 13 December 2019. Collection method: clinical testing. Allele origin: germline.